The following is an entry in ClinVar:

ClinVar aggregate classification (germline): Uncertain significance (1 of 4 stars; one submission).

Conditions:
Psoriasis 2. Identifiers: MedGen C1864497, MONDO:0011269, OMIM 602723.
Pityriasis rubra pilaris (PRP). Also called: Pityriasis rubra pilaris--familial type. Identifiers: Orphanet 2897, MedGen C0032027, MONDO:0100017, OMIM 173200, MONDO:0008251.

Allele frequency attached by ClinVar (database versions not stated): TOPMed below 0.00001; gnomAD 0.00001.
gnomAD v4.1: 2 of 1,613,684 alleles (0.00012%); highest among the groups gnomAD compares: Non-Finnish European, 0.00017%; no homozygotes.

Submission:

Labcorp Genetics (formerly Invitae), Labcorp
Classification: Uncertain significance for Pityriasis rubra pilaris; Psoriasis 2. Last evaluated: 2022-05-20. Review status: criteria provided, single submitter. Criteria: Invitae Variant Classification Sherloc (09022015). Collection method: clinical testing. Allele origin: germline.
Comment: This variant is not present in population databases (gnomAD no frequency). This variant has not been reported in the literature in individuals affected with CARD14-related conditions. Algorithms developed to predict the effect of missense changes on protein structure and function (SIFT, PolyPhen-2, Align-GVGD) all suggest that this variant is likely to be tolerated. This sequence change replaces glutamic acid, which is acidic and polar, with alanine, which is neutral and non-polar, at codon 638 of the CARD14 protein (p.Glu638Ala). In summary, the available evidence is currently insufficient to determine the role of this variant in disease. Therefore, it has been classified as a Variant of Uncertain Significance.

NM_001366385.1(CARD14):c.1913A>C (p.Glu638Ala)

Genes: SGSH (N-sulfoglucosamine sulfohydrolase; minus strand), CARD14 (caspase recruitment domain family member 14; plus strand). Cytogenetic location: 17q25.3.
Variant type: single nucleotide variant.
Coding change: c.1913A>C on transcript NM_001366385.1 (MANE Select); coding-DNA position 1913, A replaced by C.
Protein change: p.Glu638Ala; replaces glutamic acid 638 with alanine.
Molecular consequence: missense variant. On other transcripts: non-coding transcript variant (1).
Genome position (GRCh38, 1-based): chr17:80,201,805, A>C. VCF-style: chr17-80201805-A-C. GRCh37 (hg19) VCF-style: chr17-78175604-A-C.
Other names: c.1913A>C, p.Glu638Ala (NM_001257970.1, NM_024110.4); short protein forms E638A.
Identifiers: ClinVar variation 1993673 (VCV001993673.4), dbSNP rs763051356, ClinGen allele CA401352546.